The following is an entry in ClinVar:

ClinVar aggregate classification (germline): Uncertain significance (1 of 4 stars; one submission).

Conditions:
Developmental and epileptic encephalopathy, 53. Also called: Epileptic encephalopathy, early infantile, 53. Identifiers: MedGen C4479313, MONDO:0033362, OMIM 617389.
Early-onset Parkinson disease 20. Also called: PARKINSON DISEASE 20, AUTOSOMAL RECESSIVE EARLY-ONSET. Identifiers: Orphanet 391411, MedGen C3809824, MONDO:0014233, OMIM 615530.

Allele frequency attached by ClinVar (database versions not stated): TOPMed 0.00001; gnomAD 0.00002.

Submission:

Labcorp Genetics (formerly Invitae), Labcorp
Classification: Uncertain significance for Developmental and epileptic encephalopathy, 53; Early-onset Parkinson disease 20. Last evaluated: 2021-09-24. Review status: criteria provided, single submitter. Criteria: Invitae Variant Classification Sherloc (09022015). Collection method: clinical testing. Allele origin: germline.
Comment: This sequence change replaces leucine with serine at codon 1394 of the SYNJ1 protein (p.Leu1394Ser). The leucine residue is moderately conserved and there is a large physicochemical difference between leucine and serine. This variant is not present in population databases (ExAC no frequency). This variant has not been reported in the literature in individuals with SYNJ1-related conditions. Algorithms developed to predict the effect of missense changes on protein structure and function (SIFT, PolyPhen-2, Align-GVGD) all suggest that this variant is likely to be tolerated, but these predictions have not been confirmed by published functional studies and their clinical significance is uncertain. In summary, the available evidence is currently insufficient to determine the role of this variant in disease. Therefore, it has been classified as a Variant of Uncertain Significance.

NM_203446.3(SYNJ1):c.*152T>C

Gene: SYNJ1 (synaptojanin 1; minus strand). Cytogenetic location: 21q22.11.
Variant type: single nucleotide variant.
Coding change: c.*152T>C on transcript NM_203446.3 (MANE Select); 152 bases downstream of the stop codon, T replaced by C.
Molecular consequence: 3 prime UTR variant. On other transcripts: missense variant (2).
Genome position (GRCh38, 1-based): chr21:32,631,653, A>G on the plus strand (T>C on the coding strand, the complement: SYNJ1 is on the minus strand). VCF-style: chr21-32631653-A-G. GRCh37 (hg19) VCF-style: chr21-34003963-A-G.
Other names: c.*152T>C (NM_001160302.2); c.3923T>C, p.Leu1308Ser (NM_001160306.2); c.4181T>C, p.Leu1394Ser (NM_003895.4); short protein forms L1308S, L1394S.
Identifiers: ClinVar variation 1487344 (VCV001487344.5), dbSNP rs982743558, ClinGen allele CA319450287.